The following is an entry in ClinVar:

NM_024876.4(COQ8B):c.84G>C (p.Gly28=)

Gene: COQ8B (coenzyme Q8B; minus strand). Cytogenetic location: 19q13.2.
Variant type: single nucleotide variant.
Coding change: c.84G>C on transcript NM_024876.4 (MANE Select); coding-DNA position 84, G replaced by C.
Protein change: p.Gly28=; no amino-acid change (glycine 28 retained).
Molecular consequence: synonymous variant.
Genome position (GRCh38, 1-based): chr19:40,714,549, C>G on the plus strand (G>C on the coding strand, the complement: COQ8B is on the minus strand). VCF-style: chr19-40714549-C-G. GRCh37 (hg19) VCF-style: chr19-41220454-C-G.
Other names: c.84G>C, p.Gly28= (NM_001142555.3).
Identifiers: ClinVar variation 5039108 (VCV005039108.1).

ClinVar aggregate classification (germline): Likely benign (1 of 4 stars; one submission).

Submission:

CeGaT Center for Human Genetics Tuebingen
Classification: Likely benign. Last evaluated: 2026-07-01. Review status: criteria provided, single submitter. Criteria: CeGaT Center For Human Genetics Tuebingen Variant Classification Criteria Version 2. Collection method: clinical testing. Allele origin: germline. Affected: yes. Observed: 1 variant allele.
Comment: COQ8B: PM2:Supporting, BP4, BP7